The following is an entry in ClinVar:

ClinVar aggregate classification (germline): Benign/Likely benign. Review status: criteria provided, multiple submitters, no conflicts (2 of 4 stars). 4 submissions from 4 submitters: Benign (1); Likely benign (3). Last evaluated 2026-09-01.

Submissions (4):

CeGaT Center for Human Genetics Tuebingen
Classification: Likely benign. Last evaluated: 2026-09-01. Review status: criteria provided, single submitter. Criteria: CeGaT Center For Human Genetics Tuebingen Variant Classification Criteria Version 2. Collection method: clinical testing. Allele origin: germline. Affected: yes. Observed: 2 variant alleles.
Comment: ZSWIM6: BS1

Laboratory of Genetics, Children's Clinical University Hospital Latvia
Classification: Likely benign. Last evaluated: 2025-02-16. Review status: criteria provided, single submitter. Criteria: ACMG Guidelines, 2015. Collection method: clinical testing. Allele origin: germline. Affected: yes.

Blueprint Genetics
Classification: Likely benign. Last evaluated: 2024-11-25. Review status: criteria provided, single submitter. Criteria: ACMG Guidelines, 2015. Collection method: clinical testing. Allele origin: germline.

Labcorp Genetics (formerly Invitae), Labcorp
Classification: Benign. Last evaluated: 2024-10-15. Review status: criteria provided, single submitter. Criteria: Invitae Variant Classification Sherloc (09022015). Collection method: clinical testing. Allele origin: germline.

NM_020928.2(ZSWIM6):c.74_100del (p.Gly25_Gly33del)

Gene: ZSWIM6 (zinc finger SWIM-type containing 6; plus strand). Cytogenetic location: 5q12.1.
Variant type: Deletion.
Coding change: c.74_100del on transcript NM_020928.2 (MANE Select); coding-DNA positions 74 to 100, 27 bases deleted (GGGGCAGCAGCGGCGGCGGCGGCGGCG).
Protein change: p.Gly25_Gly33del.
Molecular consequence: inframe deletion.
Genome position (GRCh38, 1-based): chr5:61,332,346-61,332,372, GGGGCAGCAGCGGCGGCGGCGGCGGCG deleted; deleting any 27 consecutive bases within chr5:61,332,328-61,332,372 gives the same sequence; the c. name uses the placement nearest the transcript's 3' end. VCF-style (leftmost placement, unchanged base first): chr5-61332327-GGCGGCGGCGGCGGCGGCGGGGGCAGCA-G. GRCh37 (hg19) VCF-style: chr5-60628154-GGCGGCGGCGGCGGCGGCGGGGGCAGCA-G.
Identifiers: ClinVar variation 1645734 (VCV001645734.14), dbSNP rs1238074721, ClinGen allele CA559984870.